The following is an entry in ClinVar:

NM_018136.5(ASPM):c.1162A>C (p.Asn388His)

Gene: ASPM (assembly factor for spindle microtubules; minus strand). Cytogenetic location: 1q31.3.
Variant type: single nucleotide variant.
Coding change: c.1162A>C on transcript NM_018136.5 (MANE Select); coding-DNA position 1162, A replaced by C.
Protein change: p.Asn388His; replaces asparagine 388 with histidine.
Molecular consequence: missense variant.
Genome position (GRCh38, 1-based): chr1:197,143,090, T>G on the plus strand (A>C on the coding strand, the complement: ASPM is on the minus strand). VCF-style: chr1-197143090-T-G. GRCh37 (hg19) VCF-style: chr1-197112220-T-G.
Other names: c.1162A>C, p.Asn388His (NM_001206846.2); short protein forms N388H.
Identifiers: ClinVar variation 2811603 (VCV002811603.3), dbSNP rs2527403923, ClinGen allele CA344017378.

ClinVar aggregate classification (germline): Uncertain significance (1 of 4 stars; one submission).

Submission:

Labcorp Genetics (formerly Invitae), Labcorp
Classification: Uncertain significance. Last evaluated: 2024-10-07. Review status: criteria provided, single submitter. Criteria: Invitae Variant Classification Sherloc (09022015). Collection method: clinical testing. Allele origin: germline.
Comment: This sequence change replaces asparagine, which is neutral and polar, with histidine, which is basic and polar, at codon 388 of the ASPM protein (p.Asn388His). This variant is not present in population databases (gnomAD no frequency). This variant has not been reported in the literature in individuals affected with ASPM-related conditions. Invitae Evidence Modeling of protein sequence and biophysical properties (such as structural, functional, and spatial information, amino acid conservation, physicochemical variation, residue mobility, and thermodynamic stability) indicates that this missense variant is not expected to disrupt ASPM protein function with a negative predictive value of 80%. In summary, the available evidence is currently insufficient to determine the role of this variant in disease. Therefore, it has been classified as a Variant of Uncertain Significance.